The following is an entry in ClinVar:

ClinVar aggregate classification (germline): Uncertain significance. Review status: criteria provided, multiple submitters, no conflicts (2 of 4 stars). 2 submissions from 2 submitters: Uncertain significance (2). Last evaluated 2024-04-20.

Conditions:
Inborn genetic diseases. Identifiers: MedGen C0950123, MeSH D030342.

gnomAD v4.1: 2 of 1,614,124 alleles (0.00012%); highest among the groups gnomAD compares: African/African-American, 0.0027%; no homozygotes.

Submissions (2):

Labcorp Genetics (formerly Invitae), Labcorp
Classification: Uncertain significance. Last evaluated: 2024-04-20. Review status: criteria provided, single submitter. Criteria: Invitae Variant Classification Sherloc (09022015). Collection method: clinical testing. Allele origin: germline.
Comment: This sequence change replaces arginine, which is basic and polar, with threonine, which is neutral and polar, at codon 1427 of the C3 protein (p.Arg1427Thr). This variant is not present in population databases (gnomAD no frequency). This variant has not been reported in the literature in individuals affected with C3-related conditions. Advanced modeling of protein sequence and biophysical properties (such as structural, functional, and spatial information, amino acid conservation, physicochemical variation, residue mobility, and thermodynamic stability) performed at Invitae indicates that this missense variant is not expected to disrupt C3 protein function with a negative predictive value of 80%. In summary, the available evidence is currently insufficient to determine the role of this variant in disease. Therefore, it has been classified as a Variant of Uncertain Significance.

Ambry Genetics
Classification: Uncertain significance for Inborn genetic diseases. Last evaluated: 2024-03-28. Review status: criteria provided, single submitter. Criteria: Ambry Variant Classification Scheme 2023. Collection method: clinical testing. Allele origin: germline.

NM_000064.4(C3):c.4280G>C (p.Arg1427Thr)

Gene: C3 (complement C3; minus strand). Cytogenetic location: 19p13.3.
Variant type: single nucleotide variant.
Coding change: c.4280G>C on transcript NM_000064.4 (MANE Select); coding-DNA position 4280, G replaced by C.
Protein change: p.Arg1427Thr; replaces arginine 1427 with threonine.
Molecular consequence: missense variant.
Genome position (GRCh38, 1-based): chr19:6,682,011, C>G on the plus strand (G>C on the coding strand, the complement: C3 is on the minus strand). VCF-style: chr19-6682011-C-G. GRCh37 (hg19) VCF-style: chr19-6682022-C-G.
Other names: short protein forms R1427T.
Identifiers: ClinVar variation 3262508 (VCV003262508.3).